The following is an entry in ClinVar:

NM_004360.5(CDH1):c.665G>A (p.Arg222Lys)

Gene: CDH1 (cadherin 1; plus strand). Cytogenetic location: 16q22.1.
Variant type: single nucleotide variant.
Coding change: c.665G>A on transcript NM_004360.5 (MANE Select); coding-DNA position 665, G replaced by A.
Protein change: p.Arg222Lys; replaces arginine 222 with lysine.
Molecular consequence: missense variant. On other transcripts: 5 prime UTR variant (2).
Genome position (GRCh38, 1-based): chr16:68,808,826, G>A. VCF-style: chr16-68808826-G-A. GRCh37 (hg19) VCF-style: chr16-68842729-G-A.
Other names: c.665G>A (LRG_301t1); c.665G>A, p.Arg222Lys (NM_001317184.2); c.-951G>A (NM_001317185.2); c.-1155G>A (NM_001317186.2); short protein forms R222K.
Identifiers: ClinVar variation 463788 (VCV000463788.15), dbSNP rs1555515287, ClinGen allele CA396458115.

ClinVar aggregate classification (germline): Uncertain significance. Review status: criteria provided, multiple submitters, no conflicts (2 of 4 stars). 3 submissions from 3 submitters: Uncertain significance (3). Last evaluated 2025-08-25.

Conditions:
Hereditary cancer-predisposing syndrome. Also called: Hereditary neoplastic syndrome; Neoplastic Syndromes, Hereditary; Tumor predisposition; Hereditary Cancer Syndrome. Identifiers: Orphanet 140162, MedGen C0027672, MeSH D009386, MONDO:0015356.
Hereditary diffuse gastric adenocarcinoma (HDGC). Also called: DIFFUSE GASTRIC AND LOBULAR BREAST CANCER SYNDROME. Identifiers: Orphanet 26106, MedGen C1708349, MONDO:0007648, OMIM 137215.

Allele frequency attached by ClinVar (database versions not stated): gnomAD 0.00001; gnomAD exomes below 0.00001; TOPMed below 0.00001.
gnomAD v4.1: 3 of 1,613,922 alleles (0.00019%); highest among the groups gnomAD compares: Non-Finnish European, 0.00025%; no homozygotes.

Submissions (3):

Labcorp Genetics (formerly Invitae), Labcorp
Classification: Uncertain significance for Hereditary diffuse gastric adenocarcinoma. Last evaluated: 2025-08-25. Review status: criteria provided, single submitter. Criteria: Invitae Variant Classification Sherloc (09022015). Collection method: clinical testing. Allele origin: germline.
Comment: This sequence change replaces arginine, which is basic and polar, with lysine, which is basic and polar, at codon 222 of the CDH1 protein (p.Arg222Lys). This variant is not present in population databases (gnomAD no frequency). This variant has not been reported in the literature in individuals affected with CDH1-related conditions. ClinVar contains an entry for this variant (Variation ID: 463788). An algorithm developed to predict the effect of missense changes on protein structure and function (PolyPhen-2) suggests that this variant is likely to be disruptive. In summary, the available evidence is currently insufficient to determine the role of this variant in disease. Therefore, it has been classified as a Variant of Uncertain Significance.

Ambry Genetics
Classification: Uncertain significance for Hereditary cancer-predisposing syndrome. Last evaluated: 2023-11-16. Review status: criteria provided, single submitter. Criteria: Ambry Variant Classification Scheme 2023. Collection method: clinical testing. Allele origin: germline.
Comment: The p.R222K variant (also known as c.665G>A), located in coding exon 5 of the CDH1 gene, results from a G to A substitution at nucleotide position 665. The arginine at codon 222 is replaced by lysine, an amino acid with highly similar properties. This amino acid position is highly conserved in available vertebrate species. In addition, the in silico prediction for this alteration is inconclusive. Since supporting evidence is limited at this time, the clinical significance of this alteration remains unclear.

Women's Health and Genetics/Laboratory Corporation of America, LabCorp
Classification: Uncertain significance. Last evaluated: 2021-05-30. Review status: criteria provided, single submitter. Criteria: LabCorp Variant Classification Summary - May 2015. Collection method: clinical testing. Allele origin: germline.
Comment: Variant summary: CDH1 c.665G>A (p.Arg222Lys) results in a conservative amino acid change located in the Cadherin-like domain (IPR002126) of the encoded protein sequence. Four of five in-silico tools predict a damaging effect of the variant on protein function. The variant was absent in 250896 control chromosomes. The available data on variant occurrences in the general population are insufficient to allow any conclusion about variant significance. To our knowledge, no occurrence of c.665G>A in individuals affected with Hereditary Diffuse Gastric Cancer/Lobular Breast Cancer and no experimental evidence demonstrating its impact on protein function have been reported. At-least one co-occurrence with another pathogenic variant has been observed at our laboratory (BRCA1 c.4065_4068delTCAA, p.Asn1355fs), providing supporting evidence for a benign role. One clinical diagnostic laboratory has submitted clinical-significance assessments for this variant to ClinVar after 2014 without evidence for independent evaluation and classified the variant as uncertain significance. Based on the evidence outlined above, the variant was classified as uncertain significance.